The following is an entry in ClinVar:

ClinVar aggregate classification (germline): Pathogenic (0 of 4 stars; one submission).

Conditions:
Recessive dystrophic epidermolysis bullosa (RDEB). Also called: DYSTROPHIC EPIDERMOLYSIS BULLOSA, AUTOSOMAL RECESSIVE; EPIDERMOLYSIS BULLOSA DYSTROPHICA, HALLOPEAU-SIEMENS TYPE; EPIDERMOLYSIS BULLOSA DYSTROPHICA, GENERALIZED SEVERE, AUTOSOMAL RECESSIVE; Hallopeau-Siemens Disease; Epidermolysis Bullosa Distrophica Autosomal Recessive (RDEB); epidermolysis bullosa dystrophica, autosomal recessive. Identifiers: Orphanet 79408, Orphanet 79409, MedGen C0079474, MONDO:0009179, OMIM 226600.

Submission:

Department of Pediatrics, Division of Medical Genetics, Faculty of Medicine Ramathibodi Hospital, Mahidol University
Classification: Pathogenic for Recessive dystrophic epidermolysis bullosa. Last evaluated: 2020-12-08. Review status: no assertion criteria provided. Collection method: research. Allele origin: germline. Inheritance: Autosomal recessive inheritance. Affected: yes.
Comment: The c.6103delG variant meets ACMG criteria to be classified as pathogenic based upon null variant, absent from controls, multiple lines of computational evidence support a deleterious effect on the gene, detected in trans with a pathogenic variant, and patient’s phenotype or family history is highly specific for the disease.

NM_000094.4(COL7A1):c.6103del (p.Glu2035fs)

Gene: COL7A1 (collagen type VII alpha 1 chain; minus strand). Cytogenetic location: 3p21.31.
Variant type: Deletion.
Coding change: c.6103del on transcript NM_000094.4 (MANE Select); coding-DNA position 6103, one base deleted (G; older notation c.6103delG).
Protein change: p.Glu2035fs; shifts the reading frame from glutamic acid 2035.
Molecular consequence: frameshift variant.
Genome position (GRCh38, 1-based): chr3:48,575,416, C deleted on the plus strand (G on the coding strand, the reverse complement: COL7A1 is on the minus strand); the first of 4 consecutive C bases (chr3:48,575,416-48,575,419); deleting any one gives the same sequence. VCF-style (leftmost placement, unchanged base first): chr3-48575415-TC-T. GRCh37 (hg19) VCF-style: chr3-48612848-TC-T.
Other names: c.6103delG (NM_000094.4); short protein forms E2035fs.
Identifiers: ClinVar variation 1292043 (VCV001292043.1), dbSNP rs2107674323, ClinGen allele CA2499216843.